The following is an entry in ClinVar:

NM_001399.5(EDA):c.605_631del (p.Ile202_Gly210del)

Gene: EDA (ectodysplasin A; plus strand). Cytogenetic location: Xq13.1.
Variant type: Deletion.
Coding change: c.605_631del on transcript NM_001399.5 (MANE Select); coding-DNA positions 605 to 631, 27 bases deleted (TTCCAGGGATTCCTGGAATTCCAGGAA).
Protein change: p.Ile202_Gly210del.
Molecular consequence: inframe deletion.
Genome position (GRCh38, 1-based): chrX:70,027,935-70,027,961, TTCCAGGGATTCCTGGAATTCCAGGAA deleted; deleting any 27 consecutive bases within chrX:70,027,928-70,027,961 gives the same sequence; the c. name uses the placement nearest the transcript's 3' end. VCF-style (leftmost placement, unchanged base first): chrX-70027927-CCCAGGAATTCCAGGGATTCCTGGAATT-C. GRCh37 (hg19) VCF-style: chrX-69247777-CCCAGGAATTCCAGGGATTCCTGGAATT-C.
Other names: c.605_631del, p.Ile202_Gly210del (NM_001005609.2, NM_001005612.3).
Identifiers: ClinVar variation 665124 (VCV000665124.8), dbSNP rs1602618255, ClinGen allele CA915951152.

ClinVar aggregate classification (germline): Pathogenic (1 of 4 stars; one submission).

Conditions:
Hypohidrotic X-linked ectodermal dysplasia (XHED). Also called: ECTODERMAL DYSPLASIA, HYPOHIDROTIC, 1; CST SYNDROME; Ectodermal Dysplasia 1, Anhidrotic; ECTODERMAL DYSPLASIA 1, HYPOHIDROTIC/HAIR/TOOTH TYPE, X-LINKED; ECTODERMAL DYSPLASIA 1, HYPOHIDROTIC, X-LINKED; Christ-Siemans-Touraine syndrome. Identifiers: Orphanet 181, Orphanet 238468, MedGen C0162359, MONDO:0010585, OMIM 305100.

Submission:

Labcorp Genetics (formerly Invitae), Labcorp
Classification: Pathogenic for Hypohidrotic X-linked ectodermal dysplasia. Last evaluated: 2023-07-14. Review status: criteria provided, single submitter. Criteria: Invitae Variant Classification Sherloc (09022015). Collection method: clinical testing. Allele origin: germline.
Comment: For these reasons, this variant has been classified as Pathogenic. This variant disrupts a region of the EDA protein in which other variant(s) (p.Pro206Leu) have been determined to be pathogenic (Invitae). This suggests that this is a clinically significant region of the protein, and that variants that disrupt it are likely to be disease-causing. ClinVar contains an entry for this variant (Variation ID: 665124). This variant has been observed in individual(s) with clinical features of ectodermal dysplasia (Invitae). This variant is not present in population databases (gnomAD no frequency). This variant, c.605_631del, results in the deletion of 9 amino acid(s) of the EDA protein (p.Ile202_Gly210del), but otherwise preserves the integrity of the reading frame.